The following is an entry in ClinVar:

ClinVar aggregate classification (germline): Uncertain significance (1 of 4 stars; one submission).

Conditions:
Bardet-Biedl syndrome (BBS). Identifiers: Orphanet 110, MedGen C0752166, MONDO:0015229.

Submission:

Labcorp Genetics (formerly Invitae), Labcorp
Classification: Uncertain significance for Bardet-Biedl syndrome. Last evaluated: 2024-12-16. Review status: criteria provided, single submitter. Criteria: Invitae Variant Classification Sherloc (09022015). Collection method: clinical testing. Allele origin: germline.
Comment: This sequence change replaces lysine, which is basic and polar, with threonine, which is neutral and polar, at codon 99 of the WDPCP protein (p.Lys99Thr). This variant is not present in population databases (gnomAD no frequency). This variant has not been reported in the literature in individuals affected with WDPCP-related conditions. ClinVar contains an entry for this variant (Variation ID: 1414789). Invitae Evidence Modeling of protein sequence and biophysical properties (such as structural, functional, and spatial information, amino acid conservation, physicochemical variation, residue mobility, and thermodynamic stability) indicates that this missense variant is expected to disrupt WDPCP protein function with a positive predictive value of 80%. In summary, the available evidence is currently insufficient to determine the role of this variant in disease. Therefore, it has been classified as a Variant of Uncertain Significance.

NM_015910.7(WDPCP):c.296A>C (p.Lys99Thr)

Gene: WDPCP (WD repeat containing planar cell polarity effector; minus strand). Cytogenetic location: 2p15.
Variant type: single nucleotide variant.
Coding change: c.296A>C on transcript NM_015910.7 (MANE Select); coding-DNA position 296, A replaced by C.
Protein change: p.Lys99Thr; replaces lysine 99 with threonine.
Molecular consequence: missense variant. On other transcripts: non-coding transcript variant (2).
Genome position (GRCh38, 1-based): chr2:63,484,945, T>G on the plus strand (A>C on the coding strand, the complement: WDPCP is on the minus strand). VCF-style: chr2-63484945-T-G. GRCh37 (hg19) VCF-style: chr2-63712079-T-G.
Other names: c.224A>C, p.Lys75Thr (NM_001354044.2); c.296A>C, p.Lys99Thr (NM_001354045.2); short protein forms K75T, K99T.
Identifiers: ClinVar variation 1414789 (VCV001414789.6), dbSNP rs772670414, ClinGen allele CA347065963.